The following is an entry in ClinVar:

NM_000038.6(APC):c.4393A>T (p.Ser1465Cys)

Gene: APC (APC regulator of Wnt signaling pathway; plus strand). Cytogenetic location: 5q22.2.
Variant type: single nucleotide variant.
Coding change: c.4393A>T on transcript NM_000038.6 (MANE Select); coding-DNA position 4393, A replaced by T.
Protein change: p.Ser1465Cys; replaces serine 1465 with cysteine.
Molecular consequence: missense variant.
Genome position (GRCh38, 1-based): chr5:112,839,987, A>T. VCF-style: chr5-112839987-A-T. GRCh37 (hg19) VCF-style: chr5-112175684-A-T.
Other names: c.4393A>T, p.Ser1465Cys (NM_001127510.3, NM_001354895.2, NM_001407450.1); c.4339A>T, p.Ser1447Cys (NM_001127511.3); c.4447A>T, p.Ser1483Cys (NM_001354896.2, NM_001407447.1, NM_001407448.1 and 1 more transcripts); c.4423A>T, p.Ser1475Cys (NM_001354897.2); c.4318A>T, p.Ser1440Cys (NM_001354898.2); c.4309A>T, p.Ser1437Cys (NM_001354899.2); c.4270A>T, p.Ser1424Cys (NM_001354900.2); c.4216A>T, p.Ser1406Cys (NM_001354901.2, NM_001407453.1); and 11 more; short protein forms S1424C, S1437C, S1440C, S1458C, S1182C, S1305C, S1336C, S1339C.
Identifiers: ClinVar variation 1740241 (VCV001740241.3), dbSNP rs2149913608, ClinGen allele CA16030953.

ClinVar aggregate classification (germline): Uncertain significance (1 of 4 stars; one submission).

Conditions:
Hereditary cancer-predisposing syndrome. Also called: Hereditary Cancer Syndrome; Hereditary neoplastic syndrome; Neoplastic Syndromes, Hereditary; Tumor predisposition. Identifiers: Orphanet 140162, MedGen C0027672, MeSH D009386, MONDO:0015356.

Allele frequency attached by ClinVar (database versions not stated): gnomAD exomes below 0.00001.
gnomAD v4.1: 1 of 1,614,148 alleles (0.000062%); highest among the groups gnomAD compares: Non-Finnish European, 0.000085%; no homozygotes.

Submission:

Ambry Genetics
Classification: Uncertain significance for Hereditary cancer-predisposing syndrome. Last evaluated: 2024-04-20. Review status: criteria provided, single submitter. Criteria: Ambry Variant Classification Scheme 2023. Collection method: clinical testing. Allele origin: germline.
Comment: The p.S1465C variant (also known as c.4393A>T), located in coding exon 15 of the APC gene, results from an A to T substitution at nucleotide position 4393. The serine at codon 1465 is replaced by cysteine, an amino acid with dissimilar properties. This amino acid position is poorly conserved in available vertebrate species. In addition, in silico predictors for this gene do not accurately predict pathogenicity. Since supporting evidence is limited at this time, the clinical significance of this alteration remains unclear.